The following is an entry in ClinVar:

ClinVar aggregate classification (germline): Uncertain significance (1 of 4 stars; one submission).

gnomAD v4.1: 6 of 1,614,012 alleles (0.00037%); highest among the groups gnomAD compares: East Asian, 0.0022%; no homozygotes.

Submission:

GeneDx
Classification: Uncertain significance. Last evaluated: 2024-05-17. Review status: criteria provided, single submitter. Criteria: GeneDx Variant Classification Process June 2021. Collection method: clinical testing. Allele origin: germline. Affected: yes.
Comment: Not observed at significant frequency in large population cohorts (gnomAD); In silico analysis supports that this missense variant has a deleterious effect on protein structure/function; Has not been previously published as pathogenic or benign to our knowledge

NM_015378.4(VPS13D):c.9145C>T (p.Arg3049Trp)

Gene: VPS13D (vacuolar protein sorting 13 homolog D; plus strand). Cytogenetic location: 1p36.22.
Variant type: single nucleotide variant.
Coding change: c.9145C>T on transcript NM_015378.4 (MANE Select); coding-DNA position 9145, C replaced by T.
Protein change: p.Arg3049Trp; replaces arginine 3049 with tryptophan.
Molecular consequence: missense variant.
Genome position (GRCh38, 1-based): chr1:12,348,898, C>T. VCF-style: chr1-12348898-C-T. GRCh37 (hg19) VCF-style: chr1-12408955-C-T.
Other names: c.9070C>T, p.Arg3024Trp (NM_018156.4); short protein forms R3024W, R3049W.
Identifiers: ClinVar variation 3377965 (VCV003377965.1).
Genomic context (GRCh38, chr1:12,348,898, plus strand): 5'-CCAGTGCGGGTGGTCTTTGCAGTGACTATGGAAGGCAGTGCACGGAAAGTCATCACTGTC[C>T]GGTCAGCCCTCATTGTGAGGAACAGACTTGAGACACCAATGGAACTAAGACTGGATAGCC-3'
Protein context (NP_056193.2, residues 3039-3059): EGSARKVITV[Arg3049Trp]SALIVRNRLE